The following continues an entry in ClinVar:

NM_000051.4(ATM):c.2149C>T (p.Arg717Trp)

Gene: ATM. ClinVar aggregate classification (germline): Conflicting classifications of pathogenicity. Uncertain significance (19); Likely benign (1).

Submissions 8 to 22 of 22:

Blueprint Genetics
Classification: Uncertain significance. Last evaluated: 2024-10-10. Review status: criteria provided, single submitter. Criteria: ACMG Guidelines, 2015. Collection method: clinical testing. Allele origin: germline.

Molecular Pathology, Peter Maccallum Cancer Centre
Classification: Uncertain significance for Ataxia-telangiectasia syndrome. Last evaluated: 2024-09-25. Review status: criteria provided, single submitter. Criteria: ACMG Guidelines, 2015. Collection method: clinical testing. Allele origin: germline. Inheritance: Autosomal recessive inheritance.

Myriad Genetics, Inc.
Classification: Likely benign for Familial cancer of breast. Last evaluated: 2024-05-07. Review status: criteria provided, single submitter. Criteria: Myriad Autosomal Dominant, Autosomal Recessive and X-Linked Classification Criteria (2023). Collection method: clinical testing. Allele origin: unknown.
Comment: This variant is considered likely benign. This variant is strongly associated with less severe personal and family histories of cancer, typical for individuals without pathogenic variants in this gene [PMID: 25085752].

Baylor Genetics
Classification: Uncertain significance for Familial cancer of breast. Last evaluated: 2024-03-11. Review status: criteria provided, single submitter. Criteria: ACMG Guidelines, 2015. Collection method: clinical testing. Allele origin: unknown.

Labcorp Genetics (formerly Invitae), Labcorp
Classification: Uncertain significance for Ataxia-telangiectasia syndrome. Last evaluated: 2024-01-28. Review status: criteria provided, single submitter. Criteria: Invitae Variant Classification Sherloc (09022015). Collection method: clinical testing. Allele origin: germline.
Comment: This sequence change replaces arginine, which is basic and polar, with tryptophan, which is neutral and slightly polar, at codon 717 of the ATM protein (p.Arg717Trp). This variant is present in population databases (rs147515380, gnomAD 0.01%). This missense change has been observed in individual(s) with chronic lymphocytic leukemia and biliary tract cancer and/or personal or family history of breast and/or ovarian cancer (PMID: 30303537, 31159747, 35451682, 36029002, 36243179). ClinVar contains an entry for this variant (Variation ID: 140879). An algorithm developed to predict the effect of missense changes on protein structure and function (PolyPhen-2) suggests that this variant is likely to be disruptive. Experimental studies are conflicting or provide insufficient evidence to determine the effect of this variant on ATM function (PMID: 36029002). In summary, the available evidence is currently insufficient to determine the role of this variant in disease. Therefore, it has been classified as a Variant of Uncertain Significance.

German Consortium for Hereditary Breast and Ovarian Cancer, University Hospital Cologne
Classification: Uncertain significance for Hereditary breast ovarian cancer syndrome. Last evaluated: 2024-01-09. Review status: criteria provided, single submitter. Criteria: ACMG Guidelines, 2015. Collection method: curation. Allele origin: germline.
Comment: According to the ACMG standard criteria we chose this criterion: PM2 (supporting pathogenic): PM2 als dummy

Mayo Clinic Laboratories, Mayo Clinic
Classification: Uncertain significance. Last evaluated: 2023-09-05. Review status: criteria provided, single submitter. Criteria: ACMG Guidelines, 2015. Collection method: clinical testing. Allele origin: germline. Observed: 2 variant alleles.

KCCC/NGS Laboratory, Kuwait Cancer Control Center
Classification: Uncertain significance for Familial cancer of breast. Last evaluated: 2023-06-06. Review status: criteria provided, single submitter. Criteria: ACMG Guidelines, 2015. Collection method: clinical testing. Allele origin: germline. Affected: yes.
Comment: A variant of uncertain significance was detected in the ATM gene (c.2149C>T). This missense variant replaces arginine with tryptophan at codon 717 of the ATM protein. Computational prediction is inconclusive regarding the impact of this variant on protein structure and function and they show pathogenic computational verdict based on 9 pathogenic predictions from DANN, EIGEN, FATHMM-MKL, LIST-S2, M-CAP, MVP, MutationAssessor, MutationTaster and SIFT vs 3 benign predictions from BayesDel_addAF, DEOGEN2 and PrimateAI. To our knowledge, functional studies have not been reported for this variant. This variant has been observed in individuals affected with pancreatic cancer (PMID: 27994516), lymphoma (PMID: 12697903), unspecified cancer (PMID: 24416720) or polyposis (PMID: 31942411). This variant has been identified in 11/281892 chromosomes in the general population by the Genome Aggregation Database (gnomAD). The available evidence is insufficient to determine the role of this variant in disease conclusively. Therefore, this variant is classified as a Variant of Uncertain Significance. Heterozygous pathogenic/likely pathogenic mutations in the ATM gene cause breast cancer susceptibility (OMIM 114480).

Sema4
Classification: Uncertain significance for Hereditary cancer-predisposing syndrome. Last evaluated: 2021-06-25. Review status: criteria provided, single submitter. Criteria: Sema4 Curation Guidelines. Collection method: curation. Allele origin: germline.
Comment: The ATM c.2149C>T (p.R717W) variant has been reported in at least four individuals with breast cancer, as well as in several individuals with polyposis or a personal/family history of an unspecified cancer (PMID: 33471991, 30303537, 25186627, 31942411, 24416720, 31159747). This variant has also been reported in healthy controls (PMID: 33471991, 30287823, 32980694). It was observed in 11/281892 chromosomes in the large and broad cohorts of the Genome Aggregation Database (PMID: 32461654). The variant has been reported in ClinVar (Variation ID 140879). In silico tools suggest the impact of the variant on protein function is inconclusive, though these predictions have not been confirmed by functional studies. The evidence is insufficient to meet ACMG/AMP criteria for classifying the variant as benign or pathogenic. Thus, the clinical significance of this variant is currently uncertain.

Cancer Genomics Group, Japanese Foundation For Cancer Research
Classification: Uncertain significance for Hereditary breast and ovarian cancer syndrome. Last evaluated: 2019-05-01. Review status: criteria provided, single submitter. Criteria: ACMG Guidelines, 2015. Collection method: research. Allele origin: germline. Affected: yes.

GeneKor MSA
Classification: Uncertain significance for Hereditary cancer-predisposing syndrome. Last evaluated: 2018-08-01. Review status: criteria provided, single submitter. Criteria: ACMG Guidelines, 2015. Collection method: clinical testing. Allele origin: germline. Affected: yes.

Athena Diagnostics
Classification: Uncertain significance. Last evaluated: 2018-05-25. Review status: criteria provided, single submitter. Criteria: Athena Diagnostics Criteria. Collection method: clinical testing. Allele origin: germline.

Illumina Laboratory Services, Illumina
Classification: Uncertain significance for Ataxia-telangiectasia syndrome. Last evaluated: 2017-04-28. Review status: criteria provided, single submitter. Criteria: ICSL Variant Classification Criteria 13 December 2019. Collection method: clinical testing. Allele origin: germline.
Comment: This variant was observed as part of a predisposition screen in an ostensibly healthy population. A literature search was performed for the gene, cDNA change, and amino acid change (where applicable). Publications were found based on this search. However, the evidence from the literature, in combination with allele frequency data from public databases where available, was not sufficient to rule this variant in or out of causing disease. Therefore, this variant is classified as a variant of unknown significance.

Natera, Inc.
Classification: Uncertain significance for Ataxia-telangiectasia. Last evaluated: 2020-09-16. Review status: no assertion criteria provided. Collection method: clinical testing. Allele origin: germline. Not counted in ClinVar's aggregate classification.

Department of Pathology and Laboratory Medicine, Sinai Health System
Classification: Uncertain significance. Review status: no assertion criteria provided. Collection method: clinical testing. Allele origin: unknown. Affected: yes. Study: The Canadian Open Genetics Repository (COGR). Not counted in ClinVar's aggregate classification.
Comment: The ATM p.Arg717Trp variant was identified in 2 of 644 proband chromosomes (frequency: 0.003) from individuals or families with lymphoma and ataxia telangiectasia (Fang 2003, Petereit 2013). The variant was also identified in dbSNP (ID:rs147515380) as with uncertain significance allele, in the ClinVar and Clinvitae databases with uncertain significance by Ambry Genetics, GeneDx, Color Genomics, Invitae, and Integrated Genetics Laboratory. The variant was further identified in the Cosmic database 2X as pathogenic in tissues derived from a Lymphoid neoplasm and a carcinoid-endocrine tumor. The variant was not identified in the 1000 Genomes Project nor was it identified in the dbSNP, COGR, MutDB, LOVD 3.0, and ATM-LOVD databases. The variant was identified in the NHLBI GO Exome Sequencing Project in 1 of 8596 European American and 1 of 4402 African American alleles. In addition, the variant was identified in control databases in 12 of 276362 chromosomes at a frequency of 0.00004 (Genome Aggregation Database Feb 27, 2017). It was observed in the following populations: African in 3 of 24012 chromosomes (freq: 0.0001), â€šÃ„ÃºOtherâ€šÃ„Ã¹ in 1 of 6432 chromosomes (freq: 0.0002), Latino in 2 of 34310 chromosomes (freq: 0.00006), European Non-Finnish in 4 of 126346 chromosomes (freq: 0.00003), East Asian in 1 of 18702 chromosomes (freq: 0.00005), and South Asian in 1 of 30692 chromosomes (freq: 0.00003); it was not observed in the Ashkenazi Jewish, European Finnish, populations. Although the p.Arg717 residue is not conserved in mammals and other organisms, computational analyses (PolyPhen-2, SIFT, AlignGVGD, BLOSUM, MutationTaster) suggest that the p.Arg717Trp variant may impact the protein. The variant occurs outside of the splicing consensus sequence and in silico or computational prediction software programs (SpliceSiteFinder, MaxEntScan, NNSPLICE, GeneSplicer, HumanSpliceFinder) do not predict a difference in splicing. In summary, based on the above information the clinical significance of this variant cannot be determined with certainty at this time. This variant is classified as a variant of uncertain significance.

Literature cited by the submitters: PubMed 24416720 (cited by 3 submitters); PubMed 12697903 (cited by 3 submitters); PubMed 30287823 (cited by 4 submitters); PubMed 30303537 (cited by 4 submitters); PubMed 31159747 (cited by 5 submitters); PubMed 33471991 (cited by 4 submitters); PubMed 37013556 (cited by Women's Health and Genetics/Laboratory Corporation of America, LabCorp); PubMed 25186627 (cited by 3 submitters); PubMed 27994516 (cited by Color Diagnostics, LLC DBA Color Health); PubMed 32885271 (cited by Color Diagnostics, LLC DBA Color Health and Ambry Genetics); PubMed 32980694 (cited by 3 submitters); PubMed 36200007 (cited by Color Diagnostics, LLC DBA Color Health and Ambry Genetics); PubMed 31214711 (cited by Ambry Genetics); PubMed 31942411 (cited by Ambry Genetics and Sema4); PubMed 25085752 (cited by Myriad Genetics, Inc.); PubMed 35451682 (cited by Labcorp Genetics (formerly Invitae), Labcorp); PubMed 36029002 (cited by Labcorp Genetics (formerly Invitae), Labcorp); PubMed 36243179 (cited by Labcorp Genetics (formerly Invitae), Labcorp).